The following is an entry in ClinVar:

ClinVar aggregate classification (germline): Uncertain significance. Review status: criteria provided, multiple submitters, no conflicts (2 of 4 stars). 2 submissions from 2 submitters: Uncertain significance (2). Last evaluated 2026-05-23.

Conditions:
Hereditary cancer-predisposing syndrome. Also called: Hereditary Cancer Syndrome; Neoplastic Syndromes, Hereditary; Hereditary neoplastic syndrome; Tumor predisposition. Identifiers: Orphanet 140162, MedGen C0027672, MeSH D009386, MONDO:0015356.
Familial adenomatous polyposis 1 (FAP1). Also called: FAMILIAL ADENOMATOUS POLYPOSIS 1, ATTENUATED; POLYPOSIS, ADENOMATOUS INTESTINAL. Identifiers: MedGen C2713442, MONDO:0021056, OMIM 175100. Disease mechanism: loss of function.

Submissions (2):

Ambry Genetics
Classification: Uncertain significance for Hereditary cancer-predisposing syndrome. Last evaluated: 2026-05-23. Review status: criteria provided, single submitter. Criteria: Ambry Variant Classification Scheme 2023. Collection method: clinical testing. Allele origin: germline.
Comment: The p.N2518K variant (also known as c.7554T>G), located in coding exon 15 of the APC gene, results from a T to G substitution at nucleotide position 7554. The asparagine at codon 2518 is replaced by lysine, an amino acid with similar properties. This amino acid position is conserved. In addition, in silico predictors for this gene do not accurately predict pathogenicity. Based on the available evidence, the clinical significance of this variant remains unclear.

Labcorp Genetics (formerly Invitae), Labcorp
Classification: Uncertain significance for Familial adenomatous polyposis 1. Last evaluated: 2023-12-13. Review status: criteria provided, single submitter. Criteria: Invitae Variant Classification Sherloc (09022015). Collection method: clinical testing. Allele origin: germline.
Comment: This sequence change replaces asparagine, which is neutral and polar, with lysine, which is basic and polar, at codon 2518 of the APC protein (p.Asn2518Lys). This variant is not present in population databases (gnomAD no frequency). This variant has not been reported in the literature in individuals affected with APC-related conditions. ClinVar contains an entry for this variant (Variation ID: 1722138). Advanced modeling of protein sequence and biophysical properties (such as structural, functional, and spatial information, amino acid conservation, physicochemical variation, residue mobility, and thermodynamic stability) performed at Invitae indicates that this missense variant is not expected to disrupt APC protein function with a negative predictive value of 95%. In summary, the available evidence is currently insufficient to determine the role of this variant in disease. Therefore, it has been classified as a Variant of Uncertain Significance.

NM_000038.6(APC):c.7554T>G (p.Asn2518Lys)

Gene: APC (APC regulator of Wnt signaling pathway; plus strand). Cytogenetic location: 5q22.2.
Variant type: single nucleotide variant.
Coding change: c.7554T>G on transcript NM_000038.6 (MANE Select); coding-DNA position 7554, T replaced by G.
Protein change: p.Asn2518Lys; replaces asparagine 2518 with lysine.
Molecular consequence: missense variant.
Genome position (GRCh38, 1-based): chr5:112,843,148, T>G. VCF-style: chr5-112843148-T-G. GRCh37 (hg19) VCF-style: chr5-112178845-T-G.
Other names: c.7500T>G, p.Asn2500Lys (NM_001127511.3); c.7554T>G, p.Asn2518Lys (NM_001354895.2, NM_001407450.1, NM_001127510.3); c.7608T>G, p.Asn2536Lys (NM_001354896.2, NM_001407447.1, NM_001407448.1 and 1 more transcripts); c.7584T>G, p.Asn2528Lys (NM_001354897.2); c.7479T>G, p.Asn2493Lys (NM_001354898.2); c.7470T>G, p.Asn2490Lys (NM_001354899.2); c.7431T>G, p.Asn2477Lys (NM_001354900.2); c.7377T>G, p.Asn2459Lys (NM_001354901.2, NM_001407453.1); and 12 more; short protein forms N2134K, N2235K, N2358K, N2389K, N2392K, N2417K, N2427K, N2435K.
Identifiers: ClinVar variation 1722138 (VCV001722138.7), dbSNP rs1284157254, ClinGen allele CA16037751.